The following is an entry in ClinVar:

ClinVar aggregate classification (germline): Uncertain significance. Review status: criteria provided, multiple submitters, no conflicts (2 of 4 stars). 6 submissions from 6 submitters: Uncertain significance (6). Last evaluated 2025-07-11.

Conditions:
Hereditary nonpolyposis colorectal neoplasms. Identifiers: MedGen C0009405, MeSH D003123.
B Lymphoblastic Leukemia/Lymphoma with t(9;22)(q34.1;q11.2); BCR-ABL1. Identifiers: MedGen C2698317.
Hereditary cancer-predisposing syndrome. Also called: Hereditary neoplastic syndrome; Hereditary Cancer Syndrome; Neoplastic Syndromes, Hereditary; Tumor predisposition. Identifiers: Orphanet 140162, MedGen C0027672, MeSH D009386, MONDO:0015356.
Lynch syndrome. Identifiers: Orphanet 144, MedGen C4552100, MONDO:0005835. Disease mechanism: loss of function.

Allele frequency attached by ClinVar (database versions not stated): gnomAD 0.00001; TOPMed 0.00001; gnomAD exomes 0.00002.
gnomAD v4.1: 18 of 1,613,962 alleles (0.0011%); highest among the groups gnomAD compares: Non-Finnish European, 0.0015%; no homozygotes.

Submissions (6):

Color Diagnostics, LLC DBA Color Health
Classification: Uncertain significance for Hereditary cancer-predisposing syndrome. Last evaluated: 2025-07-11. Review status: criteria provided, single submitter. Criteria: ACMG Guidelines, 2015. Collection method: clinical testing. Allele origin: germline.
Comment: This missense variant replaces glutamic acid with glycine at codon 863 of the MSH6 protein. Computational prediction suggests that this variant may have deleterious impact on protein structure and function. To our knowledge, functional studies have not been reported for this variant. This variant has been reported in individuals affected with colorectal cancer and/or polyposis in the literature (PMID: 22658618, 30267214). This variant has not been identified in the general population by the Genome Aggregation Database (gnomAD). The available evidence is insufficient to determine the role of this variant in disease conclusively. Therefore, this variant is classified as a Variant of Uncertain Significance.

Labcorp Genetics (formerly Invitae), Labcorp
Classification: Uncertain significance for Hereditary nonpolyposis colorectal neoplasms. Last evaluated: 2025-03-13. Review status: criteria provided, single submitter. Criteria: Invitae Variant Classification Sherloc (09022015). Collection method: clinical testing. Allele origin: germline.
Comment: This sequence change replaces glutamic acid, which is acidic and polar, with glycine, which is neutral and non-polar, at codon 863 of the MSH6 protein (p.Glu863Gly). This variant is not present in population databases (gnomAD no frequency). This variant has not been reported in the literature in individuals affected with MSH6-related conditions. ClinVar contains an entry for this variant (Variation ID: 229858). Invitae Evidence Modeling of protein sequence and biophysical properties (such as structural, functional, and spatial information, amino acid conservation, physicochemical variation, residue mobility, and thermodynamic stability) indicates that this missense variant is not expected to disrupt MSH6 protein function with a negative predictive value of 95%. In summary, the available evidence is currently insufficient to determine the role of this variant in disease. Therefore, it has been classified as a Variant of Uncertain Significance.

Ambry Genetics
Classification: Uncertain significance for Hereditary cancer-predisposing syndrome. Last evaluated: 2024-08-19. Review status: criteria provided, single submitter. Criteria: Ambry Variant Classification Scheme 2023. Collection method: clinical testing. Allele origin: germline.
Comment: The p.E863G variant (also known as c.2588A>G), located in coding exon 4 of the MSH6 gene, results from an A to G substitution at nucleotide position 2588. The glutamic acid at codon 863 is replaced by glycine, an amino acid with similar properties. This alteration has been reported in a patient with a clinical history suggestive of Lynch syndrome or a polyposis syndrome and was classified as a variant of unknown significance by study authors (Pritchard CC et al. J Mol Diagn, 2012 Jul;14:357-66). This amino acid position is highly conserved in available vertebrate species. In addition, this alteration is predicted to be deleterious by in silico analysis. Since supporting evidence is limited at this time, the clinical significance of this alteration remains unclear.

All of Us Research Program, National Institutes of Health
Classification: Uncertain significance for Lynch syndrome. Last evaluated: 2024-08-06. Review status: criteria provided, single submitter. Criteria: ACMG Guidelines, 2015. Collection method: clinical testing. Allele origin: germline. Inheritance: Autosomal dominant inheritance. Observed: 1 variant allele, 1 heterozygote.
Comment: This study involves interpretation of variants in research participants for the purpose of population health screening. Participant phenotype was not available at the time of variant classification. Additional details can be found in publication PMID: 35346344, PMCID: PMC8962531

GeneDx
Classification: Uncertain significance. Last evaluated: 2023-02-16. Review status: criteria provided, single submitter. Criteria: GeneDx Variant Classification Process June 2021. Collection method: clinical testing. Allele origin: germline. Affected: yes.
Comment: Not observed at significant frequency in large population cohorts (gnomAD); In silico analysis supports that this missense variant has a deleterious effect on protein structure/function; Observed among a cohort of individuals with Lynch syndrome or polyposis syndrome (Pritchard et al., 2012); This variant is associated with the following publications: (PMID: 17531815, 21120944, 22658618)

St. Jude Molecular Pathology, St. Jude Children's Research Hospital
Classification: Uncertain significance for B Lymphoblastic Leukemia/Lymphoma with t(9;22)(q34.1;q11.2); BCR-ABL1. Last evaluated: 2017-06-11. Review status: criteria provided, single submitter. Criteria: ACMG Guidelines, 2015. Collection method: clinical testing. Allele origin: germline. Affected: yes.

Literature cited by the submitters: PubMed 22658618 (cited by Color Diagnostics, LLC DBA Color Health and Ambry Genetics); PubMed 30267214 (cited by Color Diagnostics, LLC DBA Color Health).

NM_000179.3(MSH6):c.2588A>G (p.Glu863Gly)

Gene: MSH6 (mutS homolog 6; plus strand). Cytogenetic location: 2p16.3.
Variant type: single nucleotide variant.
Coding change: c.2588A>G on transcript NM_000179.3 (MANE Select); coding-DNA position 2588, A replaced by G.
Protein change: p.Glu863Gly; replaces glutamic acid 863 with glycine.
Molecular consequence: missense variant.
Genome position (GRCh38, 1-based): chr2:47,800,571, A>G. VCF-style: chr2-47800571-A-G. GRCh37 (hg19) VCF-style: chr2-48027710-A-G.
Other names: c.2198A>G, p.Glu733Gly (NM_001281492.2); c.1682A>G, p.Glu561Gly (NM_001281493.2, NM_001281494.2); short protein forms E863G, E561G, E733G.
Identifiers: ClinVar variation 229858 (VCV000229858.21), dbSNP rs876658238, ClinGen allele CA10578108.